The following is an entry in ClinVar:

ClinVar aggregate classification (germline): Pathogenic/Likely pathogenic. Review status: criteria provided, multiple submitters, no conflicts (2 of 4 stars). 2 submissions from 2 submitters: Pathogenic (1); Likely pathogenic (1). Last evaluated 2023-08-10.

Conditions:
Cystic fibrosis (CF). Also called: MUCOVISCIDOSIS. Identifiers: Orphanet 586, MedGen C0010674, MONDO:0009061, OMIM 219700. Disease mechanism: loss of function.
Bronchiectasis with or without elevated sweat chloride 1 (BESC1). Also called: Cystic Fibrosis-Like Syndrome. Identifiers: Orphanet 60033, MedGen C2749757, MONDO:0008887, OMIM 211400.

Submissions (2):

Baylor Genetics
Classification: Likely pathogenic for Bronchiectasis with or without elevated sweat chloride 1. Last evaluated: 2023-08-10. Review status: criteria provided, single submitter. Criteria: ACMG Guidelines, 2015. Collection method: clinical testing. Allele origin: unknown.

Labcorp Genetics (formerly Invitae), Labcorp
Classification: Pathogenic for Cystic fibrosis. Last evaluated: 2018-12-22. Review status: criteria provided, single submitter. Criteria: Invitae Variant Classification Sherloc (09022015). Collection method: clinical testing. Allele origin: germline.
Comment: For these reasons, this variant has been classified as Pathogenic. Loss-of-function variants in CFTR are known to be pathogenic (PMID: 1695717, 7691345, 9725922). This variant has not been reported in the literature in individuals with CFTR-related conditions. This variant is not present in population databases (ExAC no frequency). This sequence change creates a premature translational stop signal (p.Lys162Profs*5) in the CFTR gene. It is expected to result in an absent or disrupted protein product.

Literature cited by the submitters: PubMed 1695717 (cited by Labcorp Genetics (formerly Invitae), Labcorp); PubMed 7691345 (cited by Labcorp Genetics (formerly Invitae), Labcorp); PubMed 9725922 (cited by Labcorp Genetics (formerly Invitae), Labcorp).

NM_000492.4(CFTR):c.483_484insCC (p.Lys162fs)

Gene: CFTR (CF transmembrane conductance regulator; plus strand). Cytogenetic location: 7q31.2.
Variant type: Insertion.
Coding change: c.483_484insCC on transcript NM_000492.4 (MANE Select); coding-DNA positions 483 to 484, CC inserted.
Protein change: p.Lys162fs; shifts the reading frame from lysine 162.
Molecular consequence: frameshift variant.
Genome position: GRCh38 VCF-style: chr7-117531108-T-TCC. GRCh37 (hg19) VCF-style: chr7-117171162-T-TCC.
Other names: short protein forms K162fs.
Identifiers: ClinVar variation 664643 (VCV000664643.7), dbSNP rs1584785196, ClinGen allele CA915945473.